The following is an entry in ClinVar:

NM_004525.3(LRP2):c.11669G>A (p.Arg3890Gln)

Gene: LRP2 (LDL receptor related protein 2; minus strand). Cytogenetic location: 2q31.1.
Variant type: single nucleotide variant.
Coding change: c.11669G>A on transcript NM_004525.3 (MANE Select); coding-DNA position 11669, G replaced by A.
Protein change: p.Arg3890Gln; replaces arginine 3890 with glutamine.
Molecular consequence: missense variant.
Genome position (GRCh38, 1-based): chr2:169,166,021, C>T on the plus strand (G>A on the coding strand, the complement: LRP2 is on the minus strand). VCF-style: chr2-169166021-C-T. GRCh37 (hg19) VCF-style: chr2-170022531-C-T.
Other names: c.11669G>A (NM_004525.2); short protein forms R3890Q.
Identifiers: ClinVar variation 1045431 (VCV001045431.7), dbSNP rs1330620613, ClinGen allele CA349140326.

ClinVar aggregate classification (germline): Uncertain significance. Review status: criteria provided, multiple submitters, no conflicts (2 of 4 stars). 3 submissions from 3 submitters: Uncertain significance (3). Last evaluated 2025-06-06.

Conditions:
Inborn genetic diseases. Identifiers: MedGen C0950123, MeSH D030342.

Allele frequency attached by ClinVar (database versions not stated): gnomAD 0.00003; gnomAD exomes 0.00001; TOPMed 0.00003.
gnomAD v4.1: 18 of 1,613,852 alleles (0.0011%); highest among the groups gnomAD compares: African/African-American, 0.0027%; no homozygotes.

Submissions (3):

GeneDx
Classification: Uncertain significance. Last evaluated: 2025-06-06. Review status: criteria provided, single submitter. Criteria: GeneDx Variant Classification Process June 2021. Collection method: clinical testing. Allele origin: germline. Affected: yes.
Comment: Has not been previously published as pathogenic or benign to our knowledge; In silico analysis suggests that this missense variant does not alter protein structure/function

Ambry Genetics
Classification: Uncertain significance for Inborn genetic diseases. Last evaluated: 2023-09-12. Review status: criteria provided, single submitter. Criteria: Ambry Variant Classification Scheme 2023. Collection method: clinical testing. Allele origin: germline.

Labcorp Genetics (formerly Invitae), Labcorp
Classification: Uncertain significance. Last evaluated: 2022-07-05. Review status: criteria provided, single submitter. Criteria: Invitae Variant Classification Sherloc (09022015). Collection method: clinical testing. Allele origin: germline.
Comment: This sequence change replaces arginine, which is basic and polar, with glutamine, which is neutral and polar, at codon 3890 of the LRP2 protein (p.Arg3890Gln). This variant is present in population databases (no rsID available, gnomAD 0.004%). This variant has not been reported in the literature in individuals affected with LRP2-related conditions. ClinVar contains an entry for this variant (Variation ID: 1045431). Algorithms developed to predict the effect of missense changes on protein structure and function output the following: SIFT: "Tolerated"; PolyPhen-2: "Possibly Damaging"; Align-GVGD: "Class C0". The glutamine amino acid residue is found in multiple mammalian species, which suggests that this missense change does not adversely affect protein function. Algorithms developed to predict the effect of sequence changes on RNA splicing suggest that this variant may create or strengthen a splice site. In summary, the available evidence is currently insufficient to determine the role of this variant in disease. Therefore, it has been classified as a Variant of Uncertain Significance.